The following is an entry in ClinVar:

ClinVar aggregate classification (germline): Uncertain significance (1 of 4 stars; one submission).

Conditions:
Hajdu-Cheney syndrome (HJCYS). Also called: Acroosteolysis dominant type; ACROOSTEOLYSIS WITH OSTEOPOROSIS AND CHANGES IN SKULL AND MANDIBLE; SERPENTINE FIBULA-POLYCYSTIC KIDNEY SYNDROME. Identifiers: Orphanet 955, MedGen C0917715, MONDO:0007057, OMIM 102500.

Submission:

Labcorp Genetics (formerly Invitae), Labcorp
Classification: Uncertain significance for Hajdu-Cheney syndrome. Last evaluated: 2024-08-05. Review status: criteria provided, single submitter. Criteria: Invitae Variant Classification Sherloc (09022015). Collection method: clinical testing. Allele origin: germline.
Comment: This sequence change replaces aspartic acid, which is acidic and polar, with glycine, which is neutral and non-polar, at codon 914 of the NOTCH2 protein (p.Asp914Gly). This variant is not present in population databases (gnomAD no frequency). This variant has not been reported in the literature in individuals affected with NOTCH2-related conditions. Advanced modeling of protein sequence and biophysical properties (such as structural, functional, and spatial information, amino acid conservation, physicochemical variation, residue mobility, and thermodynamic stability) performed at Invitae indicates that this missense variant is expected to disrupt NOTCH2 protein function with a positive predictive value of 80%. In summary, the available evidence is currently insufficient to determine the role of this variant in disease. Therefore, it has been classified as a Variant of Uncertain Significance.

NM_024408.4(NOTCH2):c.2741A>G (p.Asp914Gly)

Gene: NOTCH2 (notch receptor 2; minus strand). Cytogenetic location: 1p12.
Variant type: single nucleotide variant.
Coding change: c.2741A>G on transcript NM_024408.4 (MANE Select); coding-DNA position 2741, A replaced by G.
Protein change: p.Asp914Gly; replaces aspartic acid 914 with glycine.
Molecular consequence: missense variant.
Genome position (GRCh38, 1-based): chr1:119,948,425, T>C on the plus strand (A>G on the coding strand, the complement: NOTCH2 is on the minus strand). VCF-style: chr1-119948425-T-C. GRCh37 (hg19) VCF-style: chr1-120491048-T-C.
Other names: c.2741A>G, p.Asp914Gly (NM_001200001.2); short protein forms D914G.
Identifiers: ClinVar variation 3661494 (VCV003661494.2).